The following is an entry in ClinVar:

NM_000178.4(GSS):c.1030-1G>A

Gene: GSS (glutathione synthetase; minus strand). Cytogenetic location: 20q11.22.
Variant type: single nucleotide variant.
Coding change: c.1030-1G>A on transcript NM_000178.4 (MANE Select); the canonical splice acceptor site of the intron before coding-DNA position 1030, G replaced by A.
Molecular consequence: splice acceptor variant.
Genome position (GRCh38, 1-based): chr20:34,931,418, C>T on the plus strand (G>A on the coding strand, the complement: GSS is on the minus strand). VCF-style: chr20-34931418-C-T. GRCh37 (hg19) VCF-style: chr20-33519221-C-T.
Other names: c.1030-1G>A (NM_001322494.1, NM_001322495.1).
Identifiers: ClinVar variation 4811197 (VCV004811197.1).

ClinVar aggregate classification (germline): Likely pathogenic (1 of 4 stars; one submission).

Conditions:
Glutathione synthetase deficiency with 5-oxoprolinuria. Also called: PYROGLUTAMIC ACIDURIA; 5-OXOPROLINURIA DUE TO GLUTATHIONE SYNTHETASE DEFICIENCY; Reduced glutathione synthetase level; 5-Oxoprolinuria; Gluthathione synthetase deficiency. Identifiers: Orphanet 289846, MedGen C0398746, MONDO:0009947, OMIM 266130, HP:0003343.

Submission:

Labcorp Genetics (formerly Invitae), Labcorp
Classification: Likely pathogenic for Glutathione synthetase deficiency with 5-oxoprolinuria. Last evaluated: 2026-01-25. Review status: criteria provided, single submitter. Criteria: Invitae Variant Classification Sherloc (09022015). Collection method: clinical testing. Allele origin: germline.
Comment: This sequence change affects an acceptor splice site in intron 10 of the GSS gene. It is expected to disrupt RNA splicing. Variants that disrupt the donor or acceptor splice site typically lead to a loss of protein function (PMID: 16199547), and loss-of-function variants in GSS are known to be pathogenic (PMID: 12638941, 15717202). This variant is not present in population databases (gnomAD no frequency). This variant has not been reported in the literature in individuals affected with GSS-related conditions. Algorithms developed to predict the effect of sequence changes on RNA splicing suggest that this variant may disrupt the consensus splice site. In summary, the currently available evidence indicates that the variant is pathogenic, but additional data are needed to prove that conclusively. Therefore, this variant has been classified as Likely Pathogenic.

Literature cited by the submitters: PubMed 16199547; PubMed 12638941; PubMed 15717202.